The following is an entry in ClinVar:

NM_020433.4(JPH2):c.-974T>C

Gene: JPH2 (junctophilin 2; minus strand). Cytogenetic location: 20q13.12.
Variant type: single nucleotide variant.
Coding change: c.-974T>C on transcript NM_020433.4; 974 bases upstream of the start codon, T replaced by C.
Genome position (GRCh38, 1-based): chr20:44,187,679, A>G on the plus strand (T>C on the coding strand, the complement: JPH2 is on the minus strand). VCF-style: chr20-44187679-A-G. GRCh37 (hg19) VCF-style: chr20-42816319-A-G.
Identifiers: ClinVar variation 671317 (VCV000671317.3), dbSNP rs17755091, ClinGen allele CA14757781.

ClinVar aggregate classification (germline): Benign (1 of 4 stars; one submission).

Allele frequency attached by ClinVar (database versions not stated): 1000 Genomes Project 30x 0.07433; TOPMed 0.08996; 1000 Genomes Project 0.07508; gnomAD 0.09671 and 0.09727; gnomAD exomes 0.10577.

Submission:

GeneDx
Classification: Benign. Last evaluated: 2018-06-19. Review status: criteria provided, single submitter. Criteria: GeneDx Variant Classification (06012015). Collection method: clinical testing. Allele origin: germline. Affected: yes.
Comment: This variant is considered likely benign or benign based on one or more of the following criteria: it is a conservative change, it occurs at a poorly conserved position in the protein, it is predicted to be benign by multiple in silico algorithms, and/or has population frequency not consistent with disease.